The following is an entry in ClinVar:

NM_001105206.3(LAMA4):c.4645A>T (p.Asn1549Tyr)

Gene: LAMA4 (laminin subunit alpha 4; minus strand). Cytogenetic location: 6q21.
Variant type: single nucleotide variant.
Coding change: c.4645A>T on transcript NM_001105206.3 (MANE Select); coding-DNA position 4645, A replaced by T.
Protein change: p.Asn1549Tyr; replaces asparagine 1549 with tyrosine.
Molecular consequence: missense variant.
Genome position (GRCh38, 1-based): chr6:112,120,303, T>A on the plus strand (A>T on the coding strand, the complement: LAMA4 is on the minus strand). VCF-style: chr6-112120303-T-A. GRCh37 (hg19) VCF-style: chr6-112441506-T-A.
Other names: p.N1542Y:AAT>TAT; c.4624A>T, p.Asn1542Tyr (NM_001105207.3, NM_002290.5); short protein forms N1542Y, N1549Y.
Identifiers: ClinVar variation 178051 (VCV000178051.27), dbSNP rs141261442, ClinGen allele CA295684.

ClinVar aggregate classification (germline): Uncertain significance. Review status: criteria provided, multiple submitters, no conflicts (2 of 4 stars). 8 submissions from 8 submitters: Uncertain significance (8). Last evaluated 2025-10-27.

Conditions:
Cardiovascular phenotype. Identifiers: MedGen CN230736.
Dilated cardiomyopathy 1JJ (CMD1JJ). Identifiers: Orphanet 154, MedGen C3808935, MONDO:0014095, OMIM 615235.
Cardiomyopathy (CMYO). Also called: Cardiomyopathies. Identifiers: Orphanet 167848, MedGen C0878544, MONDO:0004994, HP:0001638. Inheritance: Various modes of inheritance.
Primary familial hypertrophic cardiomyopathy (HCM). Identifiers: Orphanet 99739, MedGen C0949658, MeSH D024741, MONDO:0024573. Inheritance: Various modes of inheritance.

Allele frequency attached by ClinVar (database versions not stated): gnomAD 0.00022 and 0.00021; ESP Exome Variant Server 0.00031; gnomAD exomes 0.00032 and 0.00019; TOPMed 0.00016; ExAC 0.00011.
gnomAD v4.1: 489 of 1,613,780 alleles (0.03%); highest among the groups gnomAD compares: Non-Finnish European, 0.04%; no homozygotes.

Submissions (8):

Labcorp Genetics (formerly Invitae), Labcorp
Classification: Uncertain significance for Dilated cardiomyopathy 1JJ. Last evaluated: 2025-10-27. Review status: criteria provided, single submitter. Criteria: Invitae Variant Classification Sherloc (09022015). Collection method: clinical testing. Allele origin: germline.
Comment: This sequence change replaces asparagine, which is neutral and polar, with tyrosine, which is neutral and polar, at codon 1542 of the LAMA4 protein (p.Asn1542Tyr). This variant is present in population databases (rs141261442, gnomAD 0.04%), and has an allele count higher than expected for a pathogenic variant. This variant has not been reported in the literature in individuals affected with LAMA4-related conditions. ClinVar contains an entry for this variant (Variation ID: 178051). Invitae Evidence Modeling of protein sequence and biophysical properties (such as structural, functional, and spatial information, amino acid conservation, physicochemical variation, residue mobility, and thermodynamic stability) indicates that this missense variant is expected to disrupt LAMA4 protein function with a positive predictive value of 80%. In summary, the available evidence is currently insufficient to determine the role of this variant in disease. Therefore, it has been classified as a Variant of Uncertain Significance.

Ambry Genetics
Classification: Uncertain significance for Cardiovascular phenotype. Last evaluated: 2025-10-11. Review status: criteria provided, single submitter. Criteria: Ambry Variant Classification Scheme 2023. Collection method: clinical testing. Allele origin: germline.
Comment: The p.N1542Y variant (also known as c.4624A>T), located in coding exon 32 of the LAMA4 gene, results from an A to T substitution at nucleotide position 4624. The asparagine at codon 1542 is replaced by tyrosine, an amino acid with dissimilar properties. This variant has been detected in individuals from a cohort with various types of cardiomyopathy; however, details were limited, and each individual also had additional variants in other cardiac-related genes (van Lint FHM et al. Neth Heart J. 2019 Jun;27(6):304-309). This amino acid position is well conserved in available vertebrate species. In addition, the in silico prediction for this alteration is inconclusive. Since supporting evidence is limited at this time, the clinical significance of this alteration remains unclear.

GeneDx
Classification: Uncertain significance. Last evaluated: 2024-09-30. Review status: criteria provided, single submitter. Criteria: GeneDx Variant Classification Process June 2021. Collection method: clinical testing. Allele origin: germline. Affected: yes.
Comment: Identified in patients with cardiomyopathy in published literature, including one pediatric patient; several patients harbored additional cardiogenetic variants (PMID: 31568572, 30847666); In silico analysis supports that this missense variant has a deleterious effect on protein structure/function; Also known as p.(N1549Y); This variant is associated with the following publications: (PMID: 31333075, 30847666, 31568572)

Fulgent Genetics
Classification: Uncertain significance for Dilated cardiomyopathy 1JJ. Last evaluated: 2021-09-06. Review status: criteria provided, single submitter. Criteria: ACMG Guidelines, 2015. Collection method: clinical testing. Allele origin: unknown.

Klaassen Lab, Charite University Medicine Berlin
Classification: Uncertain significance for Primary familial hypertrophic cardiomyopathy. Last evaluated: 2019-07-03. Review status: criteria provided, single submitter. Criteria: ACMG Guidelines, 2015. Collection method: research. Allele origin: germline. Affected: yes.

Stanford Center for Inherited Cardiovascular Disease, Stanford University
Classification: Uncertain significance. Last evaluated: 2017-06-12. Review status: criteria provided, single submitter. Criteria: ACMG Guidelines, 2015. Collection method: provider interpretation. Allele origin: germline.

CHEO Genetics Diagnostic Laboratory, Children's Hospital of Eastern Ontario
Classification: Uncertain significance for Cardiomyopathy. Last evaluated: 2016-01-07. Review status: criteria provided, single submitter. Criteria: ACMG Guidelines, 2015. Collection method: clinical testing. Allele origin: germline. Study: Canadian Open Genetics Repository.

Laboratory for Molecular Medicine, Mass General Brigham Personalized Medicine
Classification: Uncertain significance. Last evaluated: 2013-07-03. Review status: criteria provided, single submitter. Criteria: LMM Criteria. Collection method: clinical testing. Allele origin: germline. Observed: 1 variant allele.
Comment: The Asn1542Tyr variant in LAMA4 has not been reported in individuals with cardio myopathy, but has been identified in 4/8600 European American chromosomes by the NHLBI Exome Sequencing Project (dbSNP rs1412 61442). Computational analyses (biochemical amino acid properties, conservation, AlignGVGD, PolyPhen2, and SIFT) do not provide strong support for or against an impact to the protein. Additional information is needed to fully assess the cli nical significance of this variant.

Literature cited by the submitters: PubMed 30847666 (cited by Ambry Genetics); PubMed 31333075 (cited by Klaassen Lab, Charite University Medicine Berlin); PubMed 31568572 (cited by Klaassen Lab, Charite University Medicine Berlin).